The following is an entry in ClinVar:

NM_005612.5(REST):c.1624A>G (p.Lys542Glu)

Gene: REST (RE1 silencing transcription factor; plus strand). Cytogenetic location: 4q12.
Variant type: single nucleotide variant.
Coding change: c.1624A>G on transcript NM_005612.5 (MANE Select); coding-DNA position 1624, A replaced by G.
Protein change: p.Lys542Glu; replaces lysine 542 with glutamic acid.
Molecular consequence: missense variant.
Genome position (GRCh38, 1-based): chr4:56,930,482, A>G. VCF-style: chr4-56930482-A-G. GRCh37 (hg19) VCF-style: chr4-57796648-A-G.
Other names: c.1624A>G, p.Lys542Glu (NM_001193508.2, NM_001363453.3); short protein forms K542E.
Identifiers: ClinVar variation 1508248 (VCV001508248.6), dbSNP rs2109574068, ClinGen allele CA357007040.

ClinVar aggregate classification (germline): Uncertain significance (1 of 4 stars; one submission).

Submission:

Labcorp Genetics (formerly Invitae), Labcorp
Classification: Uncertain significance. Last evaluated: 2021-09-30. Review status: criteria provided, single submitter. Criteria: Invitae Variant Classification Sherloc (09022015). Collection method: clinical testing. Allele origin: germline.
Comment: In summary, the available evidence is currently insufficient to determine the role of this variant in disease. Therefore, it has been classified as a Variant of Uncertain Significance. Algorithms developed to predict the effect of sequence changes on RNA splicing suggest that this variant may create or strengthen a splice site. Algorithms developed to predict the effect of missense changes on protein structure and function are either unavailable or do not agree on the potential impact of this missense change (SIFT: "Deleterious"; PolyPhen-2: "Benign"; Align-GVGD: "Class C55"). This variant has not been reported in the literature in individuals affected with REST-related conditions. This variant is not present in population databases (ExAC no frequency). This sequence change replaces lysine with glutamic acid at codon 542 of the REST protein (p.Lys542Glu). The lysine residue is highly conserved and there is a small physicochemical difference between lysine and glutamic acid.